The following is an entry in ClinVar:

NM_000057.4(BLM):c.1772G>A (p.Arg591Gln)

Gene: BLM (BLM RecQ like helicase; plus strand). Cytogenetic location: 15q26.1.
Variant type: single nucleotide variant.
Coding change: c.1772G>A on transcript NM_000057.4 (MANE Select); coding-DNA position 1772, G replaced by A.
Protein change: p.Arg591Gln; replaces arginine 591 with glutamine.
Molecular consequence: missense variant.
Genome position (GRCh38, 1-based): chr15:90,761,145, G>A. VCF-style: chr15-90761145-G-A. GRCh37 (hg19) VCF-style: chr15-91304375-G-A.
Other names: c.1772G>A, p.Arg591Gln (NM_001287246.2, NM_001287247.2); c.647G>A, p.Arg216Gln (NM_001287248.2); c.1772G>A (NM_000057.2); short protein forms R591Q, R216Q.
Identifiers: ClinVar variation 583411 (VCV000583411.15), dbSNP rs28385012, ClinGen allele CA7738585.

ClinVar aggregate classification (germline): Uncertain significance. Review status: criteria provided, multiple submitters, no conflicts (2 of 4 stars). 4 submissions from 4 submitters: Uncertain significance (3). 1 of the submissions does not count toward it. Last evaluated 2026-01-14.

Conditions:
Hereditary cancer-predisposing syndrome. Also called: Neoplastic Syndromes, Hereditary; Hereditary Cancer Syndrome; Tumor predisposition; Hereditary neoplastic syndrome. Identifiers: Orphanet 140162, MedGen C0027672, MeSH D009386, MONDO:0015356.
Bloom syndrome (BLM). Also called: Bloom-Torre-Machacek syndrome. Identifiers: Orphanet 125, MedGen C0005859, MONDO:0008876, OMIM 210900.

Allele frequency attached by ClinVar (database versions not stated): ExAC 0.00001; gnomAD 0.00001 and 0.00002; gnomAD exomes 0.00001 and 0.00002; TOPMed 0.00001; 1000 Genomes Project 30x 0.00016; 1000 Genomes Project 0.00020.
gnomAD v4.1: 17 of 1,531,960 alleles (0.0011%); highest among the groups gnomAD compares: Middle Eastern, 0.018%; no homozygotes.

Submissions (4):

Labcorp Genetics (formerly Invitae), Labcorp
Classification: Uncertain significance for Bloom syndrome. Last evaluated: 2026-01-14. Review status: criteria provided, single submitter. Criteria: Invitae Variant Classification Sherloc (09022015). Collection method: clinical testing. Allele origin: germline.
Comment: This sequence change replaces arginine, which is basic and polar, with glutamine, which is neutral and polar, at codon 591 of the BLM protein (p.Arg591Gln). This variant is present in population databases (rs28385012, gnomAD 0.01%). This variant has not been reported in the literature in individuals affected with BLM-related conditions. ClinVar contains an entry for this variant (Variation ID: 583411). Invitae Evidence Modeling of protein sequence and biophysical properties (such as structural, functional, and spatial information, amino acid conservation, physicochemical variation, residue mobility, and thermodynamic stability) indicates that this missense variant is not expected to disrupt BLM protein function with a negative predictive value of 80%. In summary, the available evidence is currently insufficient to determine the role of this variant in disease. Therefore, it has been classified as a Variant of Uncertain Significance.

Ambry Genetics
Classification: Uncertain significance for Hereditary cancer-predisposing syndrome. Last evaluated: 2025-07-31. Review status: criteria provided, single submitter. Criteria: Ambry Variant Classification Scheme 2023. Collection method: clinical testing. Allele origin: germline.
Comment: The p.R591Q variant (also known as c.1772G>A), located in coding exon 6 of the BLM gene, results from a G to A substitution at nucleotide position 1772. The arginine at codon 591 is replaced by glutamine, an amino acid with highly similar properties. This amino acid position is not well conserved in available vertebrate species. In addition, this alteration is predicted to be tolerated by in silico analysis. Since supporting evidence is limited at this time, the clinical significance of this alteration remains unclear.

Fulgent Genetics
Classification: Uncertain significance for Bloom syndrome. Last evaluated: 2024-06-14. Review status: criteria provided, single submitter. Criteria: ACMG Guidelines, 2015. Collection method: clinical testing. Allele origin: germline.

Natera, Inc.
Classification: Uncertain significance for Bloom syndrome. Last evaluated: 2018-10-23. Review status: no assertion criteria provided. Collection method: clinical testing. Allele origin: germline. Not counted in ClinVar's aggregate classification.